The following is an entry in ClinVar:

ClinVar aggregate classification (germline): Uncertain significance (1 of 4 stars; one submission).

Submission:

Labcorp Genetics (formerly Invitae), Labcorp
Classification: Uncertain significance. Last evaluated: 2020-07-15. Review status: criteria provided, single submitter. Criteria: Invitae Variant Classification Sherloc (09022015). Collection method: clinical testing. Allele origin: germline.
Comment: In summary, the available evidence is currently insufficient to determine the role of this variant in disease. Therefore, it has been classified as a Variant of Uncertain Significance. Algorithms developed to predict the effect of missense changes on protein structure and function are either unavailable or do not agree on the potential impact of this missense change (SIFT: "Deleterious"; PolyPhen-2: "Probably Damaging"; Align-GVGD: "Class C0"). This variant has not been reported in the literature in individuals with TUBGCP6-related conditions. This variant is not present in population databases (ExAC no frequency). This sequence change replaces tyrosine with cysteine at codon 541 of the TUBGCP6 protein (p.Tyr541Cys). The tyrosine residue is highly conserved and there is a large physicochemical difference between tyrosine and cysteine.

NM_020461.4(TUBGCP6):c.1622A>G (p.Tyr541Cys)

Gene: TUBGCP6 (tubulin gamma complex component 6; minus strand). Cytogenetic location: 22q13.33.
Variant type: single nucleotide variant.
Coding change: c.1622A>G on transcript NM_020461.4 (MANE Select); coding-DNA position 1622, A replaced by G.
Protein change: p.Tyr541Cys; replaces tyrosine 541 with cysteine.
Molecular consequence: missense variant.
Genome position (GRCh38, 1-based): chr22:50,226,358, T>C on the plus strand (A>G on the coding strand, the complement: TUBGCP6 is on the minus strand). VCF-style: chr22-50226358-T-C. GRCh37 (hg19) VCF-style: chr22-50664787-T-C.
Other names: short protein forms Y541C.
Identifiers: ClinVar variation 1056932 (VCV001056932.9), dbSNP rs2147188659, ClinGen allele CA412106452.
Genomic context (GRCh38, chr22:50,226,358, plus strand): 5'-AGGTACTCGTGGTTCACCTGAATCATGAACTCGCCATAAGCGTCTCTGAACACCCCGCTG[T>C]ACACCCAGTCGTGGATGAACCTGCAGTGGGGGAAAAGCAGGGGTAGATGTGGTCAACGGA-3'
Protein context (NP_065194.3, residues 531-551): PYTRFIHDWV[Tyr541Cys]SGVFRDAYGE